The following is an entry in ClinVar:

ClinVar aggregate classification (germline): Conflicting classifications of pathogenicity. Review status: criteria provided, conflicting classifications (1 of 4 stars). 8 submissions from 8 submitters: Uncertain significance (5); Benign (1); Likely benign (2). Last evaluated 2026-02-10.

Conditions:
JAG1-related disorder. Also called: JAG1-related condition; JAG1-related disorders.
Isolated Nonsyndromic Congenital Heart Disease.
Alagille syndrome due to a JAG1 point mutation. Also called: Alagille Syndrome 1; HEPATIC DUCTULAR HYPOPLASIA, SYNDROMATIC; JAG1-Related Alagille Syndrome. Identifiers: Orphanet 261619, Orphanet 52, MedGen C1956125, MONDO:0016862, OMIM 118450.

Allele frequency attached by ClinVar (database versions not stated): gnomAD exomes 0.00006 and 0.00011; TOPMed 0.00006; ExAC 0.00007; ESP Exome Variant Server 0.00008; gnomAD 0.00008 and 0.00009.
gnomAD v4.1: 164 of 1,614,014 alleles (0.01%); highest among the groups gnomAD compares: Non-Finnish European, 0.013%; no homozygotes.

Submissions (8):

PreventionGenetics, part of Exact Sciences
Classification: Uncertain significance for JAG1-related condition. Last evaluated: 2026-02-10. Review status: criteria provided, single submitter. Criteria: ACMG Guidelines, 2015. Collection method: clinical testing. Allele origin: germline.
Comment: The JAG1 c.1826C>T variant is predicted to result in the amino acid substitution p.Ser609Leu. To our knowledge, this variant has not been reported in the literature. This variant is reported in 0.014% of alleles in individuals of Latino descent in gnomAD, including >150 heterozygotes in the newest version of the gnomAD database (v4.1), which is likely too frequent to be a primary cause of disease. Although we suspect that this variant may be benign, the clinical significance of this variant is currently classified as uncertain due to the absence of conclusive functional and genetic evidence.

Labcorp Genetics (formerly Invitae), Labcorp
Classification: Likely benign for Alagille syndrome due to a JAG1 point mutation. Last evaluated: 2025-11-02. Review status: criteria provided, single submitter. Criteria: Invitae Variant Classification Sherloc (09022015). Collection method: clinical testing. Allele origin: germline.

GeneDx
Classification: Uncertain significance. Last evaluated: 2024-10-29. Review status: criteria provided, single submitter. Criteria: GeneDx Variant Classification Process June 2021. Collection method: clinical testing. Allele origin: germline. Affected: yes.
Comment: In silico analysis supports that this missense variant has a deleterious effect on protein structure/function; Has not been previously published as pathogenic or benign to our knowledge

Blueprint Genetics
Classification: Likely benign. Last evaluated: 2024-10-10. Review status: criteria provided, single submitter. Criteria: ACMG Guidelines, 2015. Collection method: clinical testing. Allele origin: germline.

Mendelics
Classification: Uncertain significance. Last evaluated: 2022-05-04. Review status: criteria provided, single submitter. Criteria: Mendelics Assertion Criteria 2019. Collection method: clinical testing. Allele origin: germline.

Revvity Omics, Revvity
Classification: Uncertain significance. Last evaluated: 2019-11-11. Review status: criteria provided, single submitter. Criteria: ACMG Guidelines, 2015. Collection method: clinical testing. Allele origin: germline.

Illumina Laboratory Services, Illumina
Classification: Benign for Isolated Nonsyndromic Congenital Heart Disease. Last evaluated: 2018-01-12. Review status: criteria provided, single submitter. Criteria: ICSL Variant Classification Criteria 13 December 2019. Collection method: clinical testing. Allele origin: germline.
Comment: This variant was observed in the ICSL laboratory as part of a predisposition screen in an ostensibly healthy population. It had not been previously curated by ICSL or reported in the Human Gene Mutation Database (HGMD: prior to June 1st, 2018), and was therefore a candidate for classification through an automated scoring system. Utilizing variant allele frequency, disease prevalence and penetrance estimates, and inheritance mode, an automated score was calculated to assess if this variant is too frequent to cause the disease. Based on the score and internal cut-off values, a variant classified as benign is not then subjected to further curation. The score for this variant resulted in a classification of benign for this disease.

Eurofins Ntd Llc (ga)
Classification: Uncertain significance. Last evaluated: 2017-06-09. Review status: criteria provided, single submitter. Criteria: EGL Classification Definitions 2015. Collection method: clinical testing. Allele origin: germline. Observed: 1 variant allele, 1 heterozygote.

NM_000214.3(JAG1):c.1826C>T (p.Ser609Leu)

Gene: JAG1 (jagged canonical Notch ligand 1; minus strand). Cytogenetic location: 20p12.2.
Variant type: single nucleotide variant.
Coding change: c.1826C>T on transcript NM_000214.3 (MANE Select); coding-DNA position 1826, C replaced by T.
Protein change: p.Ser609Leu; replaces serine 609 with leucine.
Molecular consequence: missense variant.
Genome position (GRCh38, 1-based): chr20:10,646,998, G>A on the plus strand (C>T on the coding strand, the complement: JAG1 is on the minus strand). VCF-style: chr20-10646998-G-A. GRCh37 (hg19) VCF-style: chr20-10627646-G-A.
Other names: c.1826C>T, p.Ser609Leu (LRG_1191t1); short protein forms S609L.
Identifiers: ClinVar variation 213535 (VCV000213535.26), dbSNP rs199505265, ClinGen allele CA321634.
Genomic context (GRCh38, chr20:10,646,998, plus strand): 5'-CTTTCATGGCAGTATGTTCCCGTGAAGCCTTTGTTACAGTCACAGGTGAATTTGCCTCCC[G>A]ACTGACTCTTGCACTTCCCGTGAGGACCACAGACGTTGGAGGAAATATACCGCACCCCTT-3'
Protein context (NP_000205.1, residues 599-619): CGPHGKCKSQ[Ser609Leu]GGKFTCDCNK